The following is an entry in ClinVar:

ClinVar aggregate classification (germline): Uncertain significance (1 of 4 stars; one submission).

Conditions:
Fanconi anemia (FA). Also called: Fanconi's anemia. Identifiers: Orphanet 84, MedGen C0015625, MeSH D005199, MONDO:0019391.

Allele frequency attached by ClinVar (database versions not stated): ExAC 0.00001; gnomAD exomes 0.00001.

Submission:

Labcorp Genetics (formerly Invitae), Labcorp
Classification: Uncertain significance for Fanconi anemia. Last evaluated: 2021-08-28. Review status: criteria provided, single submitter. Criteria: Invitae Variant Classification Sherloc (09022015). Collection method: clinical testing. Allele origin: germline.
Comment: This sequence change replaces glycine with aspartic acid at codon 1063 of the SLX4 protein (p.Gly1063Asp). The glycine residue is weakly conserved and there is a moderate physicochemical difference between glycine and aspartic acid. This variant is present in population databases (rs750149671, ExAC 0.001%). This variant has not been reported in the literature in individuals affected with SLX4-related conditions. Algorithms developed to predict the effect of missense changes on protein structure and function (SIFT, PolyPhen-2, Align-GVGD) all suggest that this variant is likely to be tolerated. In summary, the available evidence is currently insufficient to determine the role of this variant in disease. Therefore, it has been classified as a Variant of Uncertain Significance.

NM_032444.4(SLX4):c.3188G>A (p.Gly1063Asp)

Gene: SLX4 (SLX4 structure-specific endonuclease subunit; minus strand). Cytogenetic location: 16p13.3.
Variant type: single nucleotide variant.
Coding change: c.3188G>A on transcript NM_032444.4 (MANE Select); coding-DNA position 3188, G replaced by A.
Protein change: p.Gly1063Asp; replaces glycine 1063 with aspartic acid.
Molecular consequence: missense variant.
Genome position (GRCh38, 1-based): chr16:3,590,450, C>T on the plus strand (G>A on the coding strand, the complement: SLX4 is on the minus strand). VCF-style: chr16-3590450-C-T. GRCh37 (hg19) VCF-style: chr16-3640451-C-T.
Other names: short protein forms G1063D.
Identifiers: ClinVar variation 1005542 (VCV001005542.6), dbSNP rs750149671, ClinGen allele CA7865971.